The following is an entry in ClinVar:

NM_015335.5(MED13L):c.2350C>T (p.Arg784Trp)

Gene: MED13L (mediator complex subunit 13L; minus strand). Cytogenetic location: 12q24.21.
Variant type: single nucleotide variant.
Coding change: c.2350C>T on transcript NM_015335.5 (MANE Select); coding-DNA position 2350, C replaced by T.
Protein change: p.Arg784Trp; replaces arginine 784 with tryptophan.
Molecular consequence: missense variant.
Genome position (GRCh38, 1-based): chr12:116,005,988, G>A on the plus strand (C>T on the coding strand, the complement: MED13L is on the minus strand). VCF-style: chr12-116005988-G-A. GRCh37 (hg19) VCF-style: chr12-116443793-G-A.
Other names: c.2350C>T (NM_015335.4); short protein forms R784W.
Identifiers: ClinVar variation 1003426 (VCV001003426.31), dbSNP rs757359386, ClinGen allele CA244162675.
Genomic context (GRCh38, chr12:116,005,988, plus strand): 5'-CCAAATCTGTTACCTGTGTAAGGCTACTGGAGCCAGCTCTGCCAGCAGCATTATCCTGCC[G>A]GACATCTGTAGGAAAGGAGGCAAAAGACACAGAATAAACAACTCCACCAAGCGCAAAGGA-3'
Protein context (NP_056150.1, residues 774-794): IFSSATKTDV[Arg784Trp]QDNAAGRAGS

ClinVar aggregate classification (germline): Conflicting classifications of pathogenicity. Review status: criteria provided, conflicting classifications (1 of 4 stars). 3 submissions from 3 submitters: Uncertain significance (2); Likely benign (1). Last evaluated 2024-08-29.

Conditions:
Inborn genetic diseases. Identifiers: MedGen C0950123, MeSH D030342.
Dextro-looped transposition of the great arteries. Also called: Dextrotransposition of the great arteries. Identifiers: Orphanet 860, MedGen C3531771, MONDO:0019443, OMIM 608808, HP:0031348.

Allele frequency attached by ClinVar (database versions not stated): gnomAD 0.00001; TOPMed 0.00001.
gnomAD v4.1: 15 of 1,613,726 alleles (0.00093%); highest among the groups gnomAD compares: East Asian, 0.0089%; no homozygotes.

Submissions (3):

Ambry Genetics
Classification: Likely benign for Inborn genetic diseases. Last evaluated: 2024-08-29. Review status: criteria provided, single submitter. Criteria: Ambry Variant Classification Scheme 2023. Collection method: clinical testing. Allele origin: germline.

CeGaT Center for Human Genetics Tuebingen
Classification: Uncertain significance. Last evaluated: 2023-12-01. Review status: criteria provided, single submitter. Criteria: CeGaT Center For Human Genetics Tuebingen Variant Classification Criteria Version 2. Collection method: clinical testing. Allele origin: germline. Affected: yes. Observed: 1 variant allele.

Labcorp Genetics (formerly Invitae), Labcorp
Classification: Uncertain significance for Dextro-looped transposition of the great arteries. Last evaluated: 2023-11-27. Review status: criteria provided, single submitter. Criteria: Invitae Variant Classification Sherloc (09022015). Collection method: clinical testing. Allele origin: germline.
Comment: This sequence change replaces arginine, which is basic and polar, with tryptophan, which is neutral and slightly polar, at codon 784 of the MED13L protein (p.Arg784Trp). This variant is present in population databases (no rsID available, gnomAD 0.006%). This variant has not been reported in the literature in individuals affected with MED13L-related conditions. ClinVar contains an entry for this variant (Variation ID: 1003426). Advanced modeling of protein sequence and biophysical properties (such as structural, functional, and spatial information, amino acid conservation, physicochemical variation, residue mobility, and thermodynamic stability) performed at Invitae indicates that this missense variant is not expected to disrupt MED13L protein function with a negative predictive value of 80%. In summary, the available evidence is currently insufficient to determine the role of this variant in disease. Therefore, it has been classified as a Variant of Uncertain Significance.